The following is an entry in ClinVar:

ClinVar aggregate classification (germline): Uncertain significance (1 of 4 stars; one submission).

Conditions:
Hereditary breast ovarian cancer syndrome. Also called: Hereditary breast and ovarian cancer syndrome (HBOC); Hereditary breast and/or ovarian cancer syndrome; BRCA1- and BRCA2-Associated Hereditary Breast and Ovarian Cancer; Hereditary breast and ovarian cancer syndrome; Hereditary breast and ovarian cancer; Breast and ovarian cancer. Identifiers: Orphanet 145, MedGen C0677776, MeSH D061325, MONDO:0003582. Disease mechanism: loss of function.

Submission:

Labcorp Genetics (formerly Invitae), Labcorp
Classification: Uncertain significance for Hereditary breast ovarian cancer syndrome. Last evaluated: 2016-01-21. Review status: criteria provided, single submitter. Criteria: Invitae Variant Classification Sherloc (09022015). Collection method: clinical testing. Allele origin: germline.
Comment: This variant is a gross duplication of the genomic region encompassing exons 8-16 of the BRCA1 gene. While the exact position of the duplicated exons cannot be determined from this data, the duplicated copy of this region is likely in tandem and in-frame, therefore preserving the integrity of the reading frame. While this particular gross duplication has not been reported in the literature, exon-level duplication in BRCA1 have been reported in patients affected with Fallopian tube cancer (PMID: 24825132). In summary, this is a duplication involving in-frame duplication of the BRCA1 exons if in tandem. However, the genomic location and orientation of the duplicated sequence is unknown. For these reasons, this change has been classified as a Variant of Uncertain Significance.

NM_007294.3(BRCA1):c.548-?_5074+?dup

Gene: BRCA1 (BRCA1 DNA repair associated; minus strand).
Variant type: Duplication.
Coding change: c.548-?_5074+?dup on transcript NM_007294.3.
Other names: c.548-?_5074+?dup (LRG_292t1).
Identifiers: ClinVar variation 254058 (VCV000254058.1).